The following is an entry in ClinVar:

NM_138386.3(NAF1):c.1124G>A (p.Arg375Gln)

Gene: NAF1 (nuclear assembly factor 1 ribonucleoprotein; minus strand). Cytogenetic location: 4q32.2.
Variant type: single nucleotide variant.
Coding change: c.1124G>A on transcript NM_138386.3 (MANE Select); coding-DNA position 1124, G replaced by A.
Protein change: p.Arg375Gln; replaces arginine 375 with glutamine.
Molecular consequence: missense variant. On other transcripts: intron variant (1).
Genome position (GRCh38, 1-based): chr4:163,129,258, C>T on the plus strand (G>A on the coding strand, the complement: NAF1 is on the minus strand). VCF-style: chr4-163129258-C-T. GRCh37 (hg19) VCF-style: chr4-164050410-C-T.
Other names: c.1034-2143G>A (NM_001128931.2); short protein forms R375Q.
Identifiers: ClinVar variation 2787920 (VCV002787920.3), dbSNP rs770675433, ClinGen allele CA3126160.
Genomic context (GRCh38, chr4:163,129,258, plus strand): 5'-AAATGCTGAGGTGGAGGCCTGCCATGGCAAGATCGAGGGTATCTGGCCCTGGAAAATCCT[C>T]GTGTGAATTCTCTGTTACGATATCCTTTTGCATGCTCTGAAGCAGAGCTATGAGCATTCC-3'
Protein context (NP_612395.2, residues 365-385): AKGYRNREFT[Arg375Gln]GFSRARYPRS

ClinVar aggregate classification (germline): Uncertain significance (1 of 4 stars; one submission).

Allele frequency attached by ClinVar (database versions not stated): TOPMed below 0.00001; ExAC 0.00002; gnomAD 0.00002; gnomAD exomes 0.00002.
gnomAD v4.1: 28 of 1,613,940 alleles (0.0017%); highest among the groups gnomAD compares: East Asian, 0.0089%; 1 homozygote.

Submission:

Labcorp Genetics (formerly Invitae), Labcorp
Classification: Uncertain significance. Last evaluated: 2024-02-18. Review status: criteria provided, single submitter. Criteria: Invitae Variant Classification Sherloc (09022015). Collection method: clinical testing. Allele origin: germline.
Comment: This sequence change replaces arginine, which is basic and polar, with glutamine, which is neutral and polar, at codon 375 of the NAF1 protein (p.Arg375Gln). This variant is present in population databases (rs770675433, gnomAD 0.006%). This variant has not been reported in the literature in individuals affected with NAF1-related conditions. An algorithm developed to predict the effect of missense changes on protein structure and function (PolyPhen-2) suggests that this variant is likely to be tolerated. In summary, the available evidence is currently insufficient to determine the role of this variant in disease. Therefore, it has been classified as a Variant of Uncertain Significance.